The following is an entry in ClinVar:

NM_000049.4(ASPA):c.904dup (p.Thr302fs)

Genes: ASPA (aspartoacylase; plus strand), SPATA22 (spermatogenesis associated 22; minus strand). Cytogenetic location: 17p13.2.
Variant type: Duplication.
Coding change: c.904dup on transcript NM_000049.4 (MANE Select); coding-DNA position 904, one base duplicated (A; older notation c.904dupA).
Protein change: p.Thr302fs; shifts the reading frame from threonine 302.
Molecular consequence: frameshift variant. On other transcripts: intron variant (2).
Genome position (GRCh38, 1-based): chr17:3,499,050, A duplicated; the last of 2 consecutive A bases (chr17:3,499,049-3,499,050); duplicating either gives the same sequence. VCF-style (leftmost placement, unchanged base first): chr17-3499048-T-TA. GRCh37 (hg19) VCF-style: chr17-3402342-T-TA.
Other names: c.904dup, p.Thr302fs (NM_001128085.1); c.-74+14363dup (NM_001321336.2, NM_001321337.2); short protein forms T302fs.
Identifiers: ClinVar variation 1065973 (VCV001065973.10), dbSNP rs2150764241, ClinGen allele CA2499224264.

ClinVar aggregate classification (germline): Likely pathogenic (1 of 4 stars; one submission).

Conditions:
Spongy degeneration of central nervous system. Also called: ACY2 DEFICIENCY; AMINOACYLASE 2 DEFICIENCY; ASP DEFICIENCY; ASPA DEFICIENCY; ASPARTOACYLASE DEFICIENCY; CANAVAN-VAN BOGAERT-BERTRAND DISEASE. Identifiers: Orphanet 141, MedGen C0206307, MONDO:0010079, OMIM 271900.

Submission:

Labcorp Genetics (formerly Invitae), Labcorp
Classification: Likely pathogenic for Spongy degeneration of central nervous system. Last evaluated: 2021-04-15. Review status: criteria provided, single submitter. Criteria: Invitae Variant Classification Sherloc (09022015). Collection method: clinical testing. Allele origin: germline.
Comment: In summary, the currently available evidence indicates that the variant is pathogenic, but additional data are needed to prove that conclusively. Therefore, this variant has been classified as Likely Pathogenic. This variant disrupts the p.Ala305 amino acid residue in ASPA. Other variant(s) that disrupt this residue have been determined to be pathogenic (PMID: 8023850, 22850825, 10909858). This suggests that this residue is clinically significant, and that variants that disrupt this residue are likely to be disease-causing. This variant has not been reported in the literature in individuals with ASPA-related conditions. This variant is not present in population databases (ExAC no frequency). This sequence change results in a frameshift in the ASPA gene (p.Thr302Asnfs*32). While this is not anticipated to result in nonsense mediated decay, it is expected to disrupt the last 12 amino acids of the ASPA protein and extend the protein by an additional 20 amino acids.

Literature cited by the submitters: PubMed 8023850; PubMed 22850825; PubMed 10909858.